The following is an entry in ClinVar:

ClinVar aggregate classification (germline): Uncertain significance (1 of 4 stars; one submission).

Conditions:
Familial adenomatous polyposis 1 (FAP1). Also called: FAMILIAL ADENOMATOUS POLYPOSIS 1, ATTENUATED; POLYPOSIS, ADENOMATOUS INTESTINAL. Identifiers: MedGen C2713442, MONDO:0021056, OMIM 175100. Disease mechanism: loss of function.

Submission:

Labcorp Genetics (formerly Invitae), Labcorp
Classification: Uncertain significance for Familial adenomatous polyposis 1. Last evaluated: 2024-06-06. Review status: criteria provided, single submitter. Criteria: Invitae Variant Classification Sherloc (09022015). Collection method: clinical testing. Allele origin: germline.
Comment: This variant occurs in a non-coding region of the APC gene. It does not change the encoded amino acid sequence of the APC protein. This variant is not present in population databases (gnomAD no frequency). This variant has not been reported in the literature in individuals affected with APC-related conditions. Experimental studies and prediction algorithms are not available or were not evaluated, and the functional significance of this variant is currently unknown. In summary, the available evidence is currently insufficient to determine the role of this variant in disease. Therefore, it has been classified as a Variant of Uncertain Significance.

NC_000005.10:g.112707408del

Gene: APC (APC regulator of Wnt signaling pathway; plus strand). Cytogenetic location: 5q22.2.
Variant type: Deletion.
Genome position: GRCh38 VCF-style: chr5-112707405-GC-G. GRCh37 (hg19) VCF-style: chr5-112043102-GC-G.
Identifiers: ClinVar variation 3632156 (VCV003632156.2).
Genomic context (GRCh38, chr5:112,707,405, plus strand): 5'-TGCAACTGAGACTCGGCTGCCTAGGCAGCAATGGCTCACGGGACAGAACAGCGAAGCAGT[GC>G]CCGGCAAGCGGAGCGCAGCACCCATTGCGCCTGCGCATAACAGGCTCTAGTCTCCGGGCT-3'